The following is an entry in ClinVar:

NM_173500.4(TTBK2):c.2798T>C (p.Met933Thr)

Gene: TTBK2 (tau tubulin kinase 2; minus strand). Cytogenetic location: 15q15.2.
Variant type: single nucleotide variant.
Coding change: c.2798T>C on transcript NM_173500.4 (MANE Select); coding-DNA position 2798, T replaced by C.
Protein change: p.Met933Thr; replaces methionine 933 with threonine.
Molecular consequence: missense variant.
Genome position (GRCh38, 1-based): chr15:42,752,448, A>G on the plus strand (T>C on the coding strand, the complement: TTBK2 is on the minus strand). VCF-style: chr15-42752448-A-G. GRCh37 (hg19) VCF-style: chr15-43044646-A-G.
Other names: short protein forms M933T.
Identifiers: ClinVar variation 2684072 (VCV002684072.1), dbSNP rs368262141, ClinGen allele CA269927265.
Genomic context (GRCh38, chr15:42,752,448, plus strand): 5'-TCTATCTCTTGTGCTAAAACAGGGATTCGGCTGTGTCTAGTTACAAAGGATGACCTAACC[A>G]TATCCTTCCGGGTTGGGGCACCATGTTCATTCTCTGAAACACAATGAAATAGTTCTCCAT-3'
Protein context (NP_775771.3, residues 923-943): NEHGAPTRKD[Met933Thr]VRSSFVTRHS

ClinVar aggregate classification (germline): Uncertain significance (1 of 4 stars; one submission).

Allele frequency attached by ClinVar (database versions not stated): gnomAD exomes below 0.00001; gnomAD 0.00003; TOPMed 0.00004; ESP Exome Variant Server 0.00008.
gnomAD v4.1: 9 of 1,614,076 alleles (0.00056%); highest among the groups gnomAD compares: African/African-American, 0.011%; no homozygotes.

Submission:

Athena Diagnostics
Classification: Uncertain significance. Last evaluated: 2023-02-21. Review status: criteria provided, single submitter. Criteria: Athena Diagnostics Criteria. Collection method: clinical testing. Allele origin: unknown.
Comment: Available data are insufficient to determine the clinical significance of the variant at this time. The frequency of this variant in the general population is higher than would generally be expected for pathogenic variants in this gene. Computational tools predict that this variant is not damaging.